The following is an entry in ClinVar:

ClinVar aggregate classification (germline): Uncertain significance. Review status: criteria provided, multiple submitters, no conflicts (2 of 4 stars). 5 submissions from 5 submitters: Uncertain significance (4). 1 of the submissions does not count toward it. Last evaluated 2025-07-16.

Conditions:
Primary ciliary dyskinesia. Also called: Ciliary dyskinesia. Identifiers: Orphanet 244, MedGen C0008780, MONDO:0016575, HP:0012265.
Primary ciliary dyskinesia 9. Also called: CILIARY DYSKINESIA, PRIMARY, 9, WITH OR WITHOUT SITUS INVERSUS. Identifiers: Orphanet 244, MedGen C2676235, MONDO:0012906, OMIM 612444.

Allele frequency attached by ClinVar (database versions not stated): ExAC 0.00001; gnomAD 0.00001; TOPMed 0.00002.
gnomAD v4.1: 5 of 1,613,632 alleles (0.00031%); highest among the groups gnomAD compares: Admixed American, 0.0017%; no homozygotes.

Submissions (5):

Myriad Genetics, Inc.
Classification: Uncertain significance for Primary ciliary dyskinesia 9. Last evaluated: 2025-07-16. Review status: criteria provided, single submitter. Criteria: Myriad Autosomal Dominant, Autosomal Recessive and X-Linked Classification Criteria (2023). Collection method: clinical testing. Allele origin: unknown.
Comment: NM_023036.4(DNAI2):c.978A>T(E326D) is a missense variant classified as a variant of uncertain significance in the context of primary ciliary dyskinesia, DNAI2-related. E326D has not been observed in cases with relevant disease. Relevant functional assessments of this variant are not available in the literature. E326D has been observed in referenced population frequency databases. In summary, there is insufficient evidence to classify NM_023036.4(DNAI2):c.978A>T(E326D) as pathogenic or benign. Please note: this variant was assessed in the context of healthy population screening.

Ambry Genetics
Classification: Uncertain significance for Primary ciliary dyskinesia. Last evaluated: 2024-04-11. Review status: criteria provided, single submitter. Criteria: Ambry Variant Classification Scheme 2023. Collection method: clinical testing. Allele origin: germline.
Comment: The p.E326D variant (also known as c.978A>T), located in coding exon 7 of the DNAI2 gene, results from an A to T substitution at nucleotide position 978. The glutamic acid at codon 326 is replaced by aspartic acid, an amino acid with highly similar properties. This amino acid position is conserved. In addition, the in silico prediction for this alteration is inconclusive. Based on the available evidence, the clinical significance of this variant remains unclear.

Fulgent Genetics
Classification: Uncertain significance for Primary ciliary dyskinesia 9. Last evaluated: 2022-03-03. Review status: criteria provided, single submitter. Criteria: ACMG Guidelines, 2015. Collection method: clinical testing. Allele origin: unknown.

Labcorp Genetics (formerly Invitae), Labcorp
Classification: Uncertain significance for Primary ciliary dyskinesia. Last evaluated: 2021-09-01. Review status: criteria provided, single submitter. Criteria: Invitae Variant Classification Sherloc (09022015). Collection method: clinical testing. Allele origin: germline.
Comment: This sequence change replaces glutamic acid with aspartic acid at codon 326 of the DNAI2 protein (p.Glu326Asp). The glutamic acid residue is highly conserved and there is a small physicochemical difference between glutamic acid and aspartic acid. This variant is present in population databases (rs763193003, ExAC 0.009%). This variant has not been reported in the literature in individuals affected with DNAI2-related conditions. Algorithms developed to predict the effect of missense changes on protein structure and function are either unavailable or do not agree on the potential impact of this missense change (SIFT: "Deleterious"; PolyPhen-2: "Benign"; Align-GVGD: "Class C0"). In summary, the available evidence is currently insufficient to determine the role of this variant in disease. Therefore, it has been classified as a Variant of Uncertain Significance.

Natera, Inc.
Classification: Uncertain significance for Primary ciliary dyskinesia. Last evaluated: 2020-02-26. Review status: no assertion criteria provided. Collection method: clinical testing. Allele origin: germline. Not counted in ClinVar's aggregate classification.

NM_023036.6(DNAI2):c.978A>T (p.Glu326Asp)

Gene: DNAI2 (dynein axonemal intermediate chain 2; plus strand). Cytogenetic location: 17q25.1.
Variant type: single nucleotide variant.
Coding change: c.978A>T on transcript NM_023036.6 (MANE Select); coding-DNA position 978, A replaced by T.
Protein change: p.Glu326Asp; replaces glutamic acid 326 with aspartic acid.
Molecular consequence: missense variant. On other transcripts: non-coding transcript variant (1).
Genome position (GRCh38, 1-based): chr17:74,301,159, A>T. VCF-style: chr17-74301159-A-T. GRCh37 (hg19) VCF-style: chr17-72297298-A-T.
Other names: c.978A>T, p.Glu326Asp (NM_001172810.3, NM_001353167.2); short protein forms E326D.
Identifiers: ClinVar variation 571617 (VCV000571617.14), dbSNP rs763193003, ClinGen allele CA8745557.